The following is an entry in ClinVar:

ClinVar aggregate classification (germline): Likely benign (1 of 4 stars; one submission).

Allele frequency attached by ClinVar (database versions not stated): gnomAD exomes 0.00001; TOPMed 0.00001.
gnomAD v4.1: 11 of 1,613,648 alleles (0.00068%); highest among the groups gnomAD compares: Non-Finnish European, 0.00093%; no homozygotes.

Submission:

CeGaT Center for Human Genetics Tuebingen
Classification: Likely benign. Last evaluated: 2023-12-01. Review status: criteria provided, single submitter. Criteria: CeGaT Center For Human Genetics Tuebingen Variant Classification Criteria Version 2. Collection method: clinical testing. Allele origin: germline. Affected: yes. Observed: 1 variant allele.
Comment: IL1RL1: PM2:Supporting, BP4, BP7

NM_016232.5(IL33R):c.141T>C (p.Asp47=)

Gene: IL33R (interleukin 33 receptor; plus strand). Cytogenetic location: 2q12.1.
Variant type: single nucleotide variant.
Coding change: c.141T>C on transcript NM_016232.5 (MANE Select); coding-DNA position 141, T replaced by C.
Protein change: p.Asp47=; no amino-acid change (aspartic acid 47 retained).
Molecular consequence: synonymous variant. On other transcripts: non-coding transcript variant (1), intron variant (1).
Genome position (GRCh38, 1-based): chr2:102,338,916, T>C. VCF-style: chr2-102338916-T-C. GRCh37 (hg19) VCF-style: chr2-102955376-T-C.
Other names: c.141T>C, p.Asp47= (NM_003856.4); c.-146-65T>C (NM_001282408.2).
Identifiers: ClinVar variation 3026659 (VCV003026659.22), dbSNP rs1677434137, ClinGen allele CA427840876.